The following is an entry in ClinVar:

ClinVar aggregate classification (germline): Likely benign. Review status: criteria provided, multiple submitters, no conflicts (2 of 4 stars). 4 submissions from 4 submitters: Likely benign (2). 2 of the submissions do not count toward it. Last evaluated 2024-04-01.

Allele frequency attached by ClinVar (database versions not stated): 1000 Genomes Project 0.00319.

Submissions (4):

CeGaT Center for Human Genetics Tuebingen
Classification: Likely benign. Last evaluated: 2024-04-01. Review status: criteria provided, single submitter. Criteria: CeGaT Center For Human Genetics Tuebingen Variant Classification Criteria Version 2. Collection method: clinical testing. Allele origin: germline. Affected: yes. Observed: 2 variant alleles.
Comment: KDM6B: BS1

Breakthrough Genomics
Classification: Likely benign. Review status: criteria provided, single submitter. Criteria: ACMG Guidelines, 2015. Collection method: not provided. Allele origin: germline. Inheritance: Autosomal dominant inheritance. Affected: yes.

Clinical Genetics DNA and cytogenetics Diagnostics Lab, Erasmus MC, Erasmus Medical Center
Classification: Likely benign. Review status: no assertion criteria provided. Collection method: clinical testing. Allele origin: germline. Affected: yes. Study: VKGL Data-share Consensus. Not counted in ClinVar's aggregate classification.

Laboratory of Diagnostic Genome Analysis, Leiden University Medical Center (LUMC)
Classification: Likely benign. Review status: no assertion criteria provided. Collection method: clinical testing. Allele origin: germline. Affected: yes. Study: VKGL Data-share Consensus. Not counted in ClinVar's aggregate classification.

NM_001348716.2(KDM6B):c.2686A>C (p.Thr896Pro)

Gene: KDM6B (lysine demethylase 6B; plus strand). Cytogenetic location: 17p13.1.
Variant type: single nucleotide variant.
Coding change: c.2686A>C on transcript NM_001348716.2 (MANE Select); coding-DNA position 2686, A replaced by C.
Protein change: p.Thr896Pro; replaces threonine 896 with proline.
Molecular consequence: missense variant.
Genome position (GRCh38, 1-based): chr17:7,848,974, A>C. VCF-style: chr17-7848974-A-C. GRCh37 (hg19) VCF-style: chr17-7752292-A-C.
Other names: c.2686A>C, p.Thr896Pro (NM_001080424.2); short protein forms T896P.
Identifiers: ClinVar variation 1206224 (VCV001206224.27), dbSNP rs550441011, ClinGen allele CA287516253.
Genomic context (GRCh38, chr17:7,848,974, plus strand): 5'-GGGCCCTGGGCCCGGGAGCGCAGGGCGGGCGAAGAGCCAGTCCCGGGCCCCATGACCCCC[A>C]CCCAACCGCCCCCACCCCTATCTCTGCCCCCTGCTCGCTCTGAGTCTGAGGTGCTAGAAG-3'
Protein context (NP_001335645.1, residues 886-906): EEPVPGPMTP[Thr896Pro]QPPPPLSLPP